The following is an entry in ClinVar:

NM_001034853.2(RPGR):c.2937_2938del (p.Glu980fs)

Gene: RPGR (retinitis pigmentosa GTPase regulator; minus strand). Cytogenetic location: Xp11.4.
Variant type: Deletion.
Coding change: c.2937_2938del on transcript NM_001034853.2 (MANE Select); coding-DNA positions 2937 to 2938, 2 bases deleted (GG; older notation c.2937_2938delGG).
Protein change: p.Glu980fs; shifts the reading frame from glutamic acid 980.
Molecular consequence: frameshift variant. On other transcripts: intron variant (8).
Genome position (GRCh38, 1-based): chrX:38,286,061-38,286,062, CC deleted on the plus strand (GG on the coding strand, the reverse complement: RPGR is on the minus strand); deleting any 2 consecutive bases within chrX:38,286,061-38,286,064 gives the same sequence; the c. name uses the placement nearest the transcript's 3' end. VCF-style (leftmost placement, unchanged base first): chrX-38286060-TCC-T. GRCh37 (hg19) VCF-style: chrX-38145313-TCC-T.
Other names: c.1569+4897_1569+4898del (NM_001367249.1, NM_001367250.1); c.1902+1032_1902+1033del (NM_001367245.1); c.1386+4897_1386+4898del (NM_001367251.1); c.1719+1032_1719+1033del (NM_001367246.1); c.1572+4897_1572+4898del (NM_001367247.1); c.1905+1032_1905+1033del (NM_000328.3); c.1602+4897_1602+4898del (NM_001367248.1); short protein forms E980fs.
Identifiers: ClinVar variation 989390 (VCV000989390.11), dbSNP rs2067138439, ClinGen allele CA1139667411.

ClinVar aggregate classification (germline): Pathogenic. Review status: reviewed by expert panel (3 of 4 stars). 7 submissions from 7 submitters: Pathogenic (1). 6 of the submissions do not count toward it. Last evaluated 2026-10-30.

Conditions:
RPGR-related disorder. Also called: RPGR-related condition.
Primary ciliary dyskinesia. Also called: Ciliary dyskinesia. Identifiers: Orphanet 244, MedGen C0008780, MONDO:0016575, HP:0012265.
RPGR-related retinopathy. Also called: RPGR retinopathy. Identifiers: MedGen CN305589, MONDO:0100437.
Retinitis pigmentosa (RP). Identifiers: Orphanet 791, MedGen C0035334, MeSH D012174, MONDO:0019200, OMIM 268000. Inheritance: Autosomal dominant, autosomal recessive and X linked inheritance.
Retinitis pigmentosa 3. Also called: CHOROIDORETINAL DEGENERATION WITH RETINAL REFLEX IN HETEROZYGOUS WOMEN. Identifiers: Orphanet 791, MedGen C1845667, MONDO:0010227, OMIM 300029.

Submissions (7):

ClinGen X-linked Inherited Retinal Disease Variant Curation Expert Panel, ClinGen
Classification: Pathogenic for RPGR-related retinopathy. Last evaluated: 2026-10-30. Review status: reviewed by expert panel. Criteria: ClinGen X LinkedIRD ACMG Specifications RPGR V1.0.0. Collection method: curation. Allele origin: germline. Inheritance: X-linked inheritance.
Comment: NM_001034853.2(RPGR):c.2937_2938del (p.Glu980GlyfsTer?) is a frameshift variant due to a deletion of two nucleotides and introduces a premature stop codon after 980 amino acids and causes a truncated protein, which is predicted to disrupt a critical C-terminal region required for proper glutamylation of RPGR (PVS1, PMID: 36445968). This variant is absent from gnomAD v4.1.2 (PM2_Supporting). The variant has been reported to segregate with retinal dystrophy through at least 3 affected meioses from 1 family (PP1_Moderate; PMID: 32679846). In summary, this variant is classified as Pathogenic for RPGR-related retinopathy based on the ClinGen X-linked Inherited Retinal Disease Expert Panel Specifications to the ACMG/AMP Variant Interpretation Guidelines for RPGR Version 1.0.0: PVS1, PM2_Supporting, and PP1_Moderate.

Labcorp Genetics (formerly Invitae), Labcorp
Classification: Pathogenic for Primary ciliary dyskinesia. Last evaluated: 2026-01-02. Review status: criteria provided, single submitter. Criteria: Invitae Variant Classification Sherloc (09022015). Collection method: clinical testing. Allele origin: germline. Not counted in ClinVar's aggregate classification.
Comment: This sequence change creates a premature translational stop signal (p.Glu980Glyfs*98) in the RPGR (ORF15) gene. While this is not anticipated to result in nonsense mediated decay, it is expected to disrupt the last 173 amino acid(s) of the RPGR (ORF15) protein. This variant is not present in population databases (gnomAD no frequency). This premature translational stop signal has been observed in individual(s) with retinitis pigmentosa (PMID: 11992260). This variant is also known as 1183-4del (Glu397fsTer495). ClinVar contains an entry for this variant (Variation ID: 989390). This variant disrupts a region of the RPGR (ORF15) protein in which other variant(s) (p.Leu1130Lysfs*13) have been determined to be pathogenic (PMID: 22264887; internal data). This suggests that this is a clinically significant region of the protein, and that variants that disrupt it are likely to be disease-causing. For these reasons, this variant has been classified as Pathogenic.

GeneDx
Classification: Likely pathogenic. Last evaluated: 2022-10-28. Review status: criteria provided, single submitter. Criteria: GeneDx Variant Classification Process June 2021. Collection method: clinical testing. Allele origin: germline. Affected: yes. Not counted in ClinVar's aggregate classification.
Comment: Frameshift variant predicted to result in protein truncation, as the last 173 amino acids are replaced with 97 different amino acids, and other loss-of-function variants have been reported downstream in HGMD; Not observed at significant frequency in large population cohorts (gnomAD); This variant is associated with the following publications: (PMID: 32679846, 11992260)

Broad Center for Mendelian Genomics, Broad Institute of MIT and Harvard
Classification: Likely pathogenic for Retinitis pigmentosa. Last evaluated: 2021-04-01. Review status: criteria provided, single submitter. Criteria: ACMG Guidelines, 2015. Collection method: curation. Allele origin: germline. Inheritance: X-linked inheritance. Affected: yes. Not counted in ClinVar's aggregate classification.
Comment: Through a review of available evidence we were able to apply the following criteria: PVS1, PM2. Based on this evidence we have classified this variant as Likely Pathogenic. If you have any questions about the classification please reach out to the Pierce Lab.

Institute of Medical Molecular Genetics, University of Zurich
Classification: Pathogenic for Retinitis pigmentosa 3. Last evaluated: 2020-12-21. Review status: criteria provided, single submitter. Criteria: Maggi J et al. (Genes (Basel) 2020). Collection method: research. Allele origin: germline. Affected: yes. Not counted in ClinVar's aggregate classification.

Blueprint Genetics
Classification: Pathogenic for RPGR-related disorders. Last evaluated: 2020-04-28. Review status: criteria provided, single submitter. Criteria: ACMG Guidelines, 2015. Collection method: clinical testing. Allele origin: germline. Affected: yes. Observed: 2 variant alleles. Not counted in ClinVar's aggregate classification.

PreventionGenetics, part of Exact Sciences
Classification: Pathogenic. Last evaluated: 2016-10-29. Review status: criteria provided, single submitter. Criteria: ACMG Guidelines, 2015. Collection method: clinical testing. Allele origin: germline. Not counted in ClinVar's aggregate classification.

Literature cited by the submitters: PubMed 11992260 (cited by Labcorp Genetics (formerly Invitae), Labcorp); PubMed 22264887 (cited by Labcorp Genetics (formerly Invitae), Labcorp); PubMed 34906470 (cited by Broad Center for Mendelian Genomics, Broad Institute of MIT and Harvard).